The following is an entry in ClinVar:

NM_014865.4(NCAPD2):c.1695C>A (p.Ile565=)

Gene: NCAPD2 (non-SMC condensin I complex subunit D2; plus strand). Cytogenetic location: 12p13.31.
Variant type: single nucleotide variant.
Coding change: c.1695C>A on transcript NM_014865.4 (MANE Select); coding-DNA position 1695, C replaced by A.
Protein change: p.Ile565=; no amino-acid change (isoleucine 565 retained).
Molecular consequence: synonymous variant.
Genome position (GRCh38, 1-based): chr12:6,521,091, C>A. VCF-style: chr12-6521091-C-A. GRCh37 (hg19) VCF-style: chr12-6630257-C-A.
Identifiers: ClinVar variation 3039262 (VCV003039262.2), dbSNP rs116663267, ClinGen allele CA6408471.

ClinVar aggregate classification (germline): Benign (0 of 4 stars; one submission).

Conditions:
NCAPD2-related disorder. Also called: NCAPD2-related condition.

Allele frequency attached by ClinVar (database versions not stated): ExAC 0.00102; ESP Exome Variant Server 0.00277; gnomAD 0.00293; TOPMed 0.00316; 1000 Genomes Project 30x 0.00484; 1000 Genomes Project 0.00519.

Submission:

PreventionGenetics, part of Exact Sciences
Classification: Benign for NCAPD2-related condition. Last evaluated: 2019-05-21. Review status: no assertion criteria provided. Collection method: clinical testing. Allele origin: germline.
Comment: This variant is classified as benign based on ACMG/AMP sequence variant interpretation guidelines (Richards et al. 2015 PMID: 25741868, with internal and published modifications).